The following is an entry in ClinVar:

ClinVar aggregate classification (germline): Uncertain significance (1 of 4 stars; one submission).

Submission:

GeneDx
Classification: Uncertain significance. Last evaluated: 2024-02-09. Review status: criteria provided, single submitter. Criteria: GeneDx Variant Classification Process June 2021. Collection method: clinical testing. Allele origin: germline. Affected: yes.
Comment: Not observed at significant frequency in large population cohorts (gnomAD); In silico analysis supports that this missense variant has a deleterious effect on protein structure/function; Has not been previously published as pathogenic or benign to our knowledge

NM_139137.4(KCNC2):c.1254C>A (p.His418Gln)

Gene: KCNC2 (potassium voltage-gated channel subfamily C member 2; minus strand). Cytogenetic location: 12q21.1.
Variant type: single nucleotide variant.
Coding change: c.1254C>A on transcript NM_139137.4 (MANE Select); coding-DNA position 1254, C replaced by A.
Protein change: p.His418Gln; replaces histidine 418 with glutamine.
Molecular consequence: missense variant. On other transcripts: non-coding transcript variant (1).
Genome position (GRCh38, 1-based): chr12:75,050,751, G>T on the plus strand (C>A on the coding strand, the complement: KCNC2 is on the minus strand). VCF-style: chr12-75050751-G-T. GRCh37 (hg19) VCF-style: chr12-75444531-G-T.
Other names: c.1254C>A, p.His418Gln (NM_001260497.2, NM_001260498.2, NM_001260499.2 and 13 more transcripts); short protein forms H418Q.
Identifiers: ClinVar variation 3368979 (VCV003368979.1).